The following is an entry in ClinVar:

ClinVar aggregate classification (germline): Likely benign (1 of 4 stars; one submission).

Allele frequency attached by ClinVar (database versions not stated): 1000 Genomes Project 0.00260; 1000 Genomes Project 30x 0.00281; ExAC 0.00402; TOPMed 0.00418; ESP Exome Variant Server 0.00423; gnomAD 0.00423.
gnomAD v4.1: 10,447 of 1,611,596 alleles (0.65%); highest among the groups gnomAD compares: Non-Finnish European, 0.77%; 51 homozygotes.

Submission:

CeGaT Center for Human Genetics Tuebingen
Classification: Likely benign. Last evaluated: 2023-03-01. Review status: criteria provided, single submitter. Criteria: CeGaT Center For Human Genetics Tuebingen Variant Classification Criteria Version 2. Collection method: clinical testing. Allele origin: germline. Affected: yes. Observed: 2 variant alleles.
Comment: AMY2B: BP4, BP7, BS2

NM_001387437.1(AMY2B):c.783C>T (p.Asp261=)

Gene: AMY2B (amylase alpha 2B; plus strand). Cytogenetic location: 1p21.1.
Variant type: single nucleotide variant.
Coding change: c.783C>T on transcript NM_001387437.1 (MANE Select); coding-DNA position 783, C replaced by T.
Protein change: p.Asp261=; no amino-acid change (aspartic acid 261 retained).
Molecular consequence: synonymous variant.
Genome position (GRCh38, 1-based): chr1:103,574,298, C>T. VCF-style: chr1-103574298-C-T. GRCh37 (hg19) VCF-style: chr1-104116920-C-T.
Other names: c.783C>T, p.Asp261= (NM_001386109.1, NM_020978.4).
Identifiers: ClinVar variation 2638959 (VCV002638959.24), dbSNP rs12131520, ClinGen allele CA976130.